The following is an entry in ClinVar:

ClinVar aggregate classification (germline): Likely benign (0 of 4 stars; one submission).

Conditions:
EP300-related disorder. Also called: EP300-related disorders; EP300-related condition.

gnomAD v4.1: 5 of 1,613,968 alleles (0.00031%); highest among the groups gnomAD compares: Non-Finnish European, 0.00034%; no homozygotes.

Submission:

PreventionGenetics, part of Exact Sciences
Classification: Likely benign for EP300-related condition. Last evaluated: 2024-05-08. Review status: no assertion criteria provided. Collection method: clinical testing. Allele origin: germline.
Comment: This variant is classified as likely benign based on ACMG/AMP sequence variant interpretation guidelines (Richards et al. 2015 PMID: 25741868, with internal and published modifications).

NM_001429.4(EP300):c.1458G>A (p.Val486=)

Gene: EP300 (E1A binding protein p300; plus strand). Cytogenetic location: 22q13.2.
Variant type: single nucleotide variant.
Coding change: c.1458G>A on transcript NM_001429.4 (MANE Select); coding-DNA position 1458, G replaced by A.
Protein change: p.Val486=; no amino-acid change (valine 486 retained).
Molecular consequence: synonymous variant.
Genome position (GRCh38, 1-based): chr22:41,131,563, G>A. VCF-style: chr22-41131563-G-A. GRCh37 (hg19) VCF-style: chr22-41527567-G-A.
Other names: c.1458G>A, p.Val486= (NM_001362843.2).
Identifiers: ClinVar variation 3357166 (VCV003357166.1).